The following is an entry in ClinVar:

ClinVar aggregate classification (germline): Uncertain significance. Review status: criteria provided, multiple submitters, no conflicts (2 of 4 stars). 3 submissions from 3 submitters: Uncertain significance (2). 1 of the submissions does not count toward it. Last evaluated 2025-07-08.

Conditions:
Hereditary cancer-predisposing syndrome. Also called: Neoplastic Syndromes, Hereditary; Hereditary neoplastic syndrome; Tumor predisposition; Hereditary Cancer Syndrome. Identifiers: Orphanet 140162, MedGen C0027672, MeSH D009386, MONDO:0015356.
Familial cancer of breast. Also called: BREAST CANCER, FAMILIAL; Hereditary breast cancer; hereditary breast carcinoma. Identifiers: Orphanet 227535, MedGen C0346153, MONDO:0016419, OMIM 114480. Disease mechanism: loss of function.

Allele frequency attached by ClinVar (database versions not stated): gnomAD exomes below 0.00001.
gnomAD v4.1: 2 of 1,611,042 alleles (0.00012%); highest among the groups gnomAD compares: Non-Finnish European, 0.00017%; no homozygotes.

Submissions (3):

Ambry Genetics
Classification: Uncertain significance for Hereditary cancer-predisposing syndrome. Last evaluated: 2025-07-08. Review status: criteria provided, single submitter. Criteria: Ambry Variant Classification Scheme 2023. Collection method: clinical testing. Allele origin: germline.
Comment: The p.I1391T variant (also known as c.4172T>C), located in coding exon 10 of the BRCA1 gene, results from a T to C substitution at nucleotide position 4172. The isoleucine at codon 1391 is replaced by threonine, an amino acid with similar properties. In one study, this alteration was identified in 1/705 contralateral breast cancer cases and 0/1396 unilateral breast cancer cases (Borg A et al. Hum Mutat, 2010 Mar;31:E1200-40). This amino acid position is highly conserved in available vertebrate species. In addition, this alteration is predicted to be deleterious by in silico analysis. Based on the available evidence, the clinical significance of this variant remains unclear.

Center for Genomic Medicine, Rigshospitalet, Copenhagen University Hospital
Classification: Uncertain significance. Last evaluated: 2025-03-04. Review status: criteria provided, single submitter. Criteria: ACMG Guidelines, 2015. Collection method: clinical testing. Allele origin: germline.

ClinVar Staff, National Center for Biotechnology Information (NCBI)
No classification provided. Condition: Familial cancer of breast. Review status: no classification provided. Collection method: literature only. Allele origin: germline. Affected: yes. Not counted in ClinVar's aggregate classification.

Literature cited by the submitters: PubMed 20104584 (cited by Ambry Genetics); PubMed 21520273 (cited by Center for Genomic Medicine, Rigshospitalet, Copenhagen University Hospital and ClinVar Staff, National Center for Biotechnology Information (NCBI)).

NM_007294.4(BRCA1):c.4172T>C (p.Ile1391Thr)

Gene: BRCA1 (BRCA1 DNA repair associated; minus strand). Cytogenetic location: 17q21.31.
Variant type: single nucleotide variant.
Coding change: c.4172T>C on transcript NM_007294.4 (MANE Select); coding-DNA position 4172, T replaced by C.
Protein change: p.Ile1391Thr; replaces isoleucine 1391 with threonine.
Molecular consequence: missense variant. On other transcripts: non-coding transcript variant (1).
Genome position (GRCh38, 1-based): chr17:43,090,957, A>G on the plus strand (T>C on the coding strand, the complement: BRCA1 is on the minus strand). VCF-style: chr17-43090957-A-G. GRCh37 (hg19) VCF-style: chr17-41242974-A-G.
Other names: c.4094T>C, p.Ile1365Thr (NM_001407658.1, NM_001407663.1, NM_001407653.1 and 4 more transcripts); c.4091T>C, p.Ile1364Thr (NM_001407659.1, NM_001407660.1, NM_001407661.1 and 1 more transcripts); c.4049T>C, p.Ile1350Thr (NM_001407664.1, NM_001407665.1, NM_001407666.1 and 19 more transcripts); c.4046T>C, p.Ile1349Thr (NM_001407670.1, NM_001407671.1, NM_001407672.1 and 11 more transcripts); c.4172T>C, p.Ile1391Thr (NM_001407684.1, NM_001407854.1, NM_001407858.1 and 30 more transcripts); c.4031T>C, p.Ile1344Thr (NM_001407692.1, NM_001407694.1, NM_001407695.1 and 29 more transcripts); c.4028T>C, p.Ile1343Thr (NM_001407740.1, NM_001407741.1, NM_001407742.1 and 20 more transcripts); c.3959T>C, p.Ile1320Thr (NM_001407853.1, NM_001407894.1, NM_001407895.1 and 9 more transcripts); and 41 more; short protein forms I1391T, I1344T, I288T, I1264T, I1303T, I1321T, I1343T, I1365T.
Identifiers: ClinVar variation 55123 (VCV000055123.10), dbSNP rs397509146, ClinGen allele CA002671.